The following is an entry in ClinVar:

ClinVar aggregate classification (germline): Uncertain significance (1 of 4 stars; one submission).

Conditions:
Inborn genetic diseases. Identifiers: MedGen C0950123, MeSH D030342.

Allele frequency attached by ClinVar (database versions not stated): gnomAD exomes below 0.00001.

Submission:

Ambry Genetics
Classification: Uncertain significance for Inborn genetic diseases. Last evaluated: 2022-02-22. Review status: criteria provided, single submitter. Criteria: Ambry Variant Classification Scheme 2023. Collection method: clinical testing. Allele origin: germline.
Comment: The p.T373A variant (also known as c.1117A>G), located in coding exon 5 of the PIK3CA gene, results from an A to G substitution at nucleotide position 1117. The threonine at codon 373 is replaced by alanine, an amino acid with similar properties. This amino acid position is conserved. In addition, this alteration is predicted to be deleterious by in silico analysis. Since supporting evidence is limited at this time, the clinical significance of this alteration remains unclear.

NM_006218.4(PIK3CA):c.1117A>G (p.Thr373Ala)

Gene: PIK3CA (phosphatidylinositol-4,5-bisphosphate 3-kinase catalytic subunit alpha; plus strand). Cytogenetic location: 3q26.32.
Variant type: single nucleotide variant.
Coding change: c.1117A>G on transcript NM_006218.4 (MANE Select); coding-DNA position 1117, A replaced by G.
Protein change: p.Thr373Ala; replaces threonine 373 with alanine.
Molecular consequence: missense variant.
Genome position (GRCh38, 1-based): chr3:179,204,560, A>G. VCF-style: chr3-179204560-A-G. GRCh37 (hg19) VCF-style: chr3-178922348-A-G.
Other names: short protein forms T373A.
Identifiers: ClinVar variation 1796498 (VCV001796498.2), dbSNP rs2108394490, ClinGen allele CA355283077.